The following is an entry in ClinVar:

NM_007272.3(CTRC):c.721C>G (p.Arg241Gly)

Gene: CTRC (chymotrypsin C; plus strand). Cytogenetic location: 1p36.21.
Variant type: single nucleotide variant.
Coding change: c.721C>G on transcript NM_007272.3 (MANE Select); coding-DNA position 721, C replaced by G.
Protein change: p.Arg241Gly; replaces arginine 241 with glycine.
Molecular consequence: missense variant.
Genome position (GRCh38, 1-based): chr1:15,445,678, C>G. VCF-style: chr1-15445678-C-G. GRCh37 (hg19) VCF-style: chr1-15772173-C-G.
Other names: short protein forms R241G.
Identifiers: ClinVar variation 1757756 (VCV001757756.2), dbSNP rs771229796, ClinGen allele CA338567840.

ClinVar aggregate classification (germline): Uncertain significance (1 of 4 stars; one submission).

Conditions:
Hereditary pancreatitis (PCTT). Also called: Hereditary chronic pancreatitis; PRSS1-Related Hereditary Pancreatitis. Identifiers: Orphanet 676, MedGen C0238339, MONDO:0008185, OMIM 167800.

Submission:

Ambry Genetics
Classification: Uncertain significance for Hereditary pancreatitis. Last evaluated: 2021-12-10. Review status: criteria provided, single submitter. Criteria: Ambry Variant Classification Scheme 2023. Collection method: clinical testing. Allele origin: germline.
Comment: The p.R241G variant (also known as c.721C>G), located in coding exon 7 of the CTRC gene, results from a C to G substitution at nucleotide position 721. The arginine at codon 241 is replaced by glycine, an amino acid with dissimilar properties. This amino acid position is conserved. In addition, this alteration is predicted to be tolerated by in silico analysis. Since supporting evidence is limited at this time, the clinical significance of this alteration remains unclear.